The following is an entry in ClinVar:

NM_013275.6(ANKRD11):c.4317G>A (p.Lys1439=)

Gene: ANKRD11 (ankyrin repeat domain 11; minus strand). Cytogenetic location: 16q24.3.
Variant type: single nucleotide variant.
Coding change: c.4317G>A on transcript NM_013275.6 (MANE Select); coding-DNA position 4317, G replaced by A.
Protein change: p.Lys1439=; no amino-acid change (lysine 1439 retained).
Molecular consequence: synonymous variant.
Genome position (GRCh38, 1-based): chr16:89,282,225, C>T on the plus strand (G>A on the coding strand, the complement: ANKRD11 is on the minus strand). VCF-style: chr16-89282225-C-T. GRCh37 (hg19) VCF-style: chr16-89348633-C-T.
Other names: c.4317G>A, p.Lys1439= (NM_001256182.2, NM_001256183.2).
Identifiers: ClinVar variation 589023 (VCV000589023.43), dbSNP rs61743619, ClinGen allele CA8242154.
Genomic context (GRCh38, chr16:89,282,225, plus strand): 5'-CTTCTCTTTTAGGATGTTGATGGCACTAGATCCATAAGGCTTTAGTTCCTTTTCTATTTT[C>T]TTGGAAGGTTCTCTCTCGGAATCATTTTTATCTTTCTTTTCGGTAGAAAACAATTCAATG-3'
Protein context (NP_037407.4, residues 1429-1449): DKNDSEREPS[Lys1439=]KIEKELKPYG

ClinVar aggregate classification (germline): Benign/Likely benign. Review status: criteria provided, multiple submitters, no conflicts (2 of 4 stars). 8 submissions from 8 submitters: Benign (4); Likely benign (4). Last evaluated 2026-07-01.

Conditions:
Inborn genetic diseases. Identifiers: MedGen C0950123, MeSH D030342.
KBG syndrome (KBGS). Also called: ANKRD11-Related KBG Syndrome. Identifiers: Orphanet 2332, MedGen C0220687, MONDO:0007846, OMIM 148050.

Allele frequency attached by ClinVar (database versions not stated): gnomAD exomes 0.00019 and 0.00053; ExAC 0.00063; 1000 Genomes Project 0.00200; gnomAD 0.00210; ESP Exome Variant Server 0.00231; TOPMed 0.00233; 1000 Genomes Project 30x 0.00234.
gnomAD v4.1: 579 of 1,613,840 alleles (0.036%); highest among the groups gnomAD compares: African/African-American, 0.71%; 4 homozygotes.

Submissions (8):

CeGaT Center for Human Genetics Tuebingen
Classification: Likely benign. Last evaluated: 2026-07-01. Review status: criteria provided, single submitter. Criteria: CeGaT Center For Human Genetics Tuebingen Variant Classification Criteria Version 2. Collection method: clinical testing. Allele origin: germline. Affected: yes. Observed: 3 variant alleles.
Comment: ANKRD11: BP4, BS1

Women's Health and Genetics/Laboratory Corporation of America, LabCorp
Classification: Benign. Last evaluated: 2026-05-13. Review status: criteria provided, single submitter. Criteria: LabCorp Variant Classification Summary - May 2015. Collection method: clinical testing. Allele origin: germline.

Labcorp Genetics (formerly Invitae), Labcorp
Classification: Benign for KBG syndrome. Last evaluated: 2026-01-24. Review status: criteria provided, single submitter. Criteria: Invitae Variant Classification Sherloc (09022015). Collection method: clinical testing. Allele origin: germline.

Blueprint Genetics
Classification: Likely benign. Last evaluated: 2024-11-13. Review status: criteria provided, single submitter. Criteria: ACMG Guidelines, 2015. Collection method: clinical testing. Allele origin: germline.

Genome-Nilou Lab
Classification: Benign for KBG syndrome. Last evaluated: 2021-12-05. Review status: criteria provided, single submitter. Criteria: ACMG Guidelines, 2015. Collection method: clinical testing. Allele origin: germline. Affected: no.

GeneDx
Classification: Benign. Last evaluated: 2019-02-12. Review status: criteria provided, single submitter. Criteria: GeneDx Variant Classification Process June 2021. Collection method: clinical testing. Allele origin: germline. Affected: yes.

Ambry Genetics
Classification: Likely benign for Inborn genetic diseases. Last evaluated: 2016-06-08. Review status: criteria provided, single submitter. Criteria: Ambry Variant Classification Scheme 2023. Collection method: clinical testing. Allele origin: germline.

Breakthrough Genomics
Classification: Likely benign. Review status: criteria provided, single submitter. Criteria: ACMG Guidelines, 2015. Collection method: not provided. Allele origin: germline. Inheritance: Autosomal dominant inheritance. Affected: yes.